The following is an entry in ClinVar:

ClinVar aggregate classification (germline): Uncertain significance (1 of 4 stars; one submission).

Conditions:
Baller-Gerold syndrome (BGS). Also called: CRANIOSYNOSTOSIS WITH RADIAL DEFECTS. Identifiers: Orphanet 1225, MedGen C0265308, MONDO:0009039, OMIM 218600.

Submission:

Labcorp Genetics (formerly Invitae), Labcorp
Classification: Uncertain significance for Baller-Gerold syndrome. Last evaluated: 2022-02-17. Review status: criteria provided, single submitter. Criteria: Invitae Variant Classification Sherloc (09022015). Collection method: clinical testing. Allele origin: germline.
Comment: In summary, the available evidence is currently insufficient to determine the role of this variant in disease. Therefore, it has been classified as a Variant of Uncertain Significance. Experimental studies and prediction algorithms are not available or were not evaluated, and the functional significance of this variant is currently unknown. This variant has not been reported in the literature in individuals affected with RECQL4-related conditions. This variant is not present in population databases (gnomAD no frequency). This variant, c.2015_2017del, results in the deletion of 1 amino acid(s) of the RECQL4 protein (p.Thr672del), but otherwise preserves the integrity of the reading frame.

NM_004260.4(RECQL4):c.2012CCA[1] (p.Thr672del)

Gene: RECQL4 (RecQ like helicase 4; minus strand). Cytogenetic location: 8q24.3.
Variant type: Microsatellite.
Coding change: c.2012CCA[1] on transcript NM_004260.4 (MANE Select); one copy of the 3-base unit CCA starting at c.2012; the reference has two copies in a row; one copy, 3 bases deleted.
Protein change: p.Thr672del; deletes threonine 672.
Molecular consequence: inframe deletion.
Genome position (GRCh38, 1-based): chr8:144,513,969-144,513,971, TGG deleted on the plus strand (CCA on the coding strand, the reverse complement: RECQL4 is on the minus strand); deleting any 3 consecutive bases within chr8:144,513,969-144,513,974 gives the same sequence; the position shown is the placement nearest the transcript's 3' end. VCF-style (leftmost placement, unchanged base first): chr8-144513968-TTGG-T. GRCh37 (hg19) VCF-style: chr8-145739352-TTGG-T.
Other names: short protein forms T672del.
Identifiers: ClinVar variation 1359275 (VCV001359275.8), dbSNP rs1827771729, ClinGen allele CA1826367204.